The following is an entry in ClinVar:

ClinVar aggregate classification (germline): Uncertain significance (1 of 4 stars; one submission).

Allele frequency attached by ClinVar (database versions not stated): gnomAD exomes below 0.00001.
gnomAD v4.1: 1 of 1,199,627 alleles (0.000083%); highest among the groups gnomAD compares: African/African-American, 0.0017%; no homozygotes.

Submission:

GeneDx
Classification: Uncertain significance. Last evaluated: 2022-04-20. Review status: criteria provided, single submitter. Criteria: GeneDx Variant Classification Process June 2021. Collection method: clinical testing. Allele origin: germline. Affected: yes.
Comment: Not observed at significant frequency in large population cohorts (gnomAD); In silico analysis supports that this missense variant has a deleterious effect on protein structure/function; Has not been previously published as pathogenic or benign to our knowledge

NM_001368397.1(FRMPD4):c.3707A>G (p.Glu1236Gly)

Gene: FRMPD4 (FERM and PDZ domain containing 4; plus strand). Cytogenetic location: Xp22.2.
Variant type: single nucleotide variant.
Coding change: c.3707A>G on transcript NM_001368397.1 (MANE Select); coding-DNA position 3707, A replaced by G.
Protein change: p.Glu1236Gly; replaces glutamic acid 1236 with glycine.
Molecular consequence: missense variant.
Genome position (GRCh38, 1-based): chrX:12,718,533, A>G. VCF-style: chrX-12718533-A-G. GRCh37 (hg19) VCF-style: chrX-12736652-A-G.
Other names: c.3818A>G, p.Glu1273Gly (NM_001368395.3, NM_001368398.3); c.3713A>G, p.Glu1238Gly (NM_001368396.3); c.3698A>G, p.Glu1233Gly (NM_001368399.3); c.3587A>G, p.Glu1196Gly (NM_001368400.3); c.3683A>G, p.Glu1228Gly (NM_001368401.1, NM_001368402.3); c.3707A>G, p.Glu1236Gly (NM_014728.3); short protein forms E1196G, E1228G, E1233G, E1236G, E1238G, E1273G.
Identifiers: ClinVar variation 1712014 (VCV001712014.2), dbSNP rs2519868772, ClinGen allele CA412321983.